The following is an entry in ClinVar:

ClinVar aggregate classification (germline): Conflicting classifications of pathogenicity. Review status: criteria provided, conflicting classifications (1 of 4 stars). 7 submissions from 7 submitters: Uncertain significance (1); Benign (1); Likely benign (5). Last evaluated 2025-12-16.

Conditions:
Hereditary cancer-predisposing syndrome. Also called: Neoplastic Syndromes, Hereditary; Tumor predisposition; Hereditary Cancer Syndrome; Hereditary neoplastic syndrome. Identifiers: Orphanet 140162, MedGen C0027672, MeSH D009386, MONDO:0015356.
Classic or attenuated familial adenomatous polyposis. Identifiers: MedGen CN372698, MONDO:0021057.
Familial adenomatous polyposis 1 (FAP1). Also called: FAMILIAL ADENOMATOUS POLYPOSIS 1, ATTENUATED; POLYPOSIS, ADENOMATOUS INTESTINAL. Identifiers: MedGen C2713442, MONDO:0021056, OMIM 175100. Disease mechanism: loss of function.

Allele frequency attached by ClinVar (database versions not stated): gnomAD exomes below 0.00001; TOPMed below 0.00001.
gnomAD v4.1: 2 of 1,613,804 alleles (0.00012%); highest among the groups gnomAD compares: South Asian, 0.0011%; no homozygotes.

Submissions (7):

Labcorp Genetics (formerly Invitae), Labcorp
Classification: Likely benign for Familial adenomatous polyposis 1. Last evaluated: 2025-12-16. Review status: criteria provided, single submitter. Criteria: Invitae Variant Classification Sherloc (09022015). Collection method: clinical testing. Allele origin: germline.

Myriad Genetics, Inc.
Classification: Benign for Familial adenomatous polyposis 1. Last evaluated: 2024-02-22. Review status: criteria provided, single submitter. Criteria: Myriad Autosomal Dominant, Autosomal Recessive and X-Linked Classification Criteria (2023). Collection method: clinical testing. Allele origin: unknown.
Comment: This variant is considered benign. This variant is a silent/synonymous amino acid change and it is not expected to impact splicing.

All of Us Research Program, National Institutes of Health
Classification: Likely benign for Classic or attenuated familial adenomatous polyposis. Last evaluated: 2023-11-30. Review status: criteria provided, single submitter. Criteria: ACMG Guidelines, 2015. Collection method: clinical testing. Allele origin: germline. Inheritance: Autosomal dominant inheritance. Observed: 3 variant alleles, 3 heterozygotes.
Comment: This study involves interpretation of variants in research participants for the purpose of population health screening. Participant phenotype was not available at the time of variant classification. Additional details can be found in publication PMID: 35346344, PMCID: PMC8962531

Sema4
Classification: Uncertain significance for Hereditary cancer-predisposing syndrome. Last evaluated: 2021-10-25. Review status: criteria provided, single submitter. Criteria: Sema4 Curation Guidelines. Collection method: curation. Allele origin: germline.
Comment: The APC c.15A>G (p.S5=) variant has not been reported in the literature to our knowledge. It was not observed in the large and broad cohorts of the Genome Aggregation Database (PMID: 32461654). This variant has been reported in ClinVar (Variation ID: 482302). In silico prediction tools suggest that the variant might affect splicing. However, these predictions have not been confirmed by functional studies. The evidence is insufficient to meet ACMG/AMP criteria for classifying the variant as benign or pathogenic. Thus, the clinical significance of this variant is currently uncertain.

GeneDx
Classification: Likely benign. Last evaluated: 2019-04-11. Review status: criteria provided, single submitter. Criteria: GeneDx Variant Classification Process June 2021. Collection method: clinical testing. Allele origin: germline. Affected: yes.
Comment: See Variant Classification Assertion Criteria.

Color Diagnostics, LLC DBA Color Health
Classification: Likely benign for Hereditary cancer-predisposing syndrome. Last evaluated: 2016-08-30. Review status: criteria provided, single submitter. Criteria: ACMG Guidelines, 2015. Collection method: clinical testing. Allele origin: germline.

Ambry Genetics
Classification: Likely benign for Hereditary cancer-predisposing syndrome. Last evaluated: 2016-02-07. Review status: criteria provided, single submitter. Criteria: Ambry Variant Classification Scheme 2023. Collection method: clinical testing. Allele origin: germline.

NM_000038.6(APC):c.15A>G (p.Ser5=)

Gene: APC (APC regulator of Wnt signaling pathway; plus strand). Cytogenetic location: 5q22.2.
Variant type: single nucleotide variant.
Coding change: c.15A>G on transcript NM_000038.6 (MANE Select); coding-DNA position 15, A replaced by G.
Protein change: p.Ser5=; no amino-acid change (serine 5 retained).
Molecular consequence: synonymous variant. On other transcripts: 5 prime UTR variant (1), intron variant (8).
Genome position (GRCh38, 1-based): chr5:112,754,905, A>G. VCF-style: chr5-112754905-A-G. GRCh37 (hg19) VCF-style: chr5-112090602-A-G.
Other names: c.15A>G, p.Ser5= (NM_001127510.3, NM_001354895.2, NM_001354896.2 and 2 more transcripts); c.-1021A>G (NM_001354906.2); c.166-11421A>G (NM_001354897.2, NM_001354902.2, NM_001127511.3); c.61-11421A>G (NM_001354898.2, NM_001354904.2); c.-42-11421A>G (NM_001354900.2, NM_001354901.2, NM_001354905.2).
Identifiers: ClinVar variation 482302 (VCV000482302.21), dbSNP rs1554067106, ClinGen allele CA445752302.
Genomic context (GRCh38, chr5:112,754,905, plus strand): 5'-AATTTCAAAATCCTTTTTAACCTTATAGGTCCAAGGGTAGCCAAGGATGGCTGCAGCTTC[A>G]TATGATCAGTTGTTAAAGCAAGTTGAGGCACTGAAGATGGAGAACTCAAATCTTCGACAA-3'
Protein context (NP_000029.2, residues 1-15): MAAA[Ser5=]YDQLLKQVEA